The following is an entry in ClinVar:

ClinVar aggregate classification (germline): Likely pathogenic. Review status: criteria provided, multiple submitters, no conflicts (2 of 4 stars). 3 submissions from 3 submitters: Likely pathogenic (2). 1 of the submissions does not count toward it. Last evaluated 2020-01-22.

Conditions:
Maturity-onset diabetes of the young type 8 (MODY8). Also called: DIABETES-PANCREATIC EXOCRINE DYSFUNCTION SYNDROME; DIABETES AND PANCREATIC EXOCRINE DYSFUNCTION. Identifiers: Orphanet 552, MedGen C1853297, MONDO:0012348, OMIM 609812.

Submissions (3):

Broad Center for Mendelian Genomics, Broad Institute of MIT and Harvard
Classification: Likely pathogenic for Maturity-onset diabetes of the young type 8. Last evaluated: 2020-01-22. Review status: criteria provided, single submitter. Criteria: ACMG Guidelines, 2015. Collection method: curation. Allele origin: germline. Inheritance: Autosomal dominant inheritance.
Comment: The p.Val596Cysfs variant in CEL has been reported in 4 individuals with Maturity-Onset Diabetes of the Young, segregated with disease in four affected relatives from one family (PMID: 16369531). This variant was absent from large population studies, though the ability of these studies to accurately detect indels may be limited. Please note that for diseases with clinical variability, or reduced penetrance, pathogenic variants may be present at a low frequency in the general population. This variant has also been reported likely pathogenic in ClinVar (Variation ID: 35815). This variant is predicted to cause a frameshift, which alters the protein's amino acid sequence beginning at position 596 and leads to a premature termination codon 111 amino acids downstream. This termination codon occurs within the the last exon and is more likely to escape nonsense mediated decay (NMD) and result in a truncated protein. Heterozygous loss of function of the CEL gene is an established disease mechanism in MODY type 8. The p.Val596Cysfs is located in a region of CEL that is essential to protein folding and stability, suggesting that this variant is in a functional domain and supports pathogenicity (PMID: 16369531). In summary, although additional studies are required to fully establish its clinical significance, this variant is likely pathogenic. ACMG/AMP Criteria applied: PM2, PP1, PM1, PVS1_moderate (Richards 2015).

Women's Health and Genetics/Laboratory Corporation of America, LabCorp
Classification: Likely pathogenic for MODY8. Last evaluated: 2011-08-18. Review status: criteria provided, single submitter. Criteria: LabCorp Variant Classification Summary - May 2015. Collection method: curation, clinical testing. Allele origin: germline. Inheritance: autosomal dominant. Affected: yes. Observed: 3 variant alleles.
ClinVar note: Converted during submission from likely pathogenic to Likely pathogenic.

OMIM
Classification: Pathogenic for MATURITY-ONSET DIABETES OF THE YOUNG, TYPE 8, WITH EXOCRINE DYSFUNCTION. Last evaluated: 2006-01-01. Review status: no assertion criteria provided. Collection method: literature only. Allele origin: germline. Not counted in ClinVar's aggregate classification.

Literature cited by the submitters: PubMed 16369531 (cited by 3 submitters).

NM_001807.6(CEL):c.1776del (p.Val593fs)

Gene: CEL (carboxyl ester lipase; plus strand). Cytogenetic location: 9q34.13.
Variant type: Deletion.
Coding change: c.1776del on transcript NM_001807.6 (MANE Select); coding-DNA position 1776, one base deleted (C; older notation c.1776delC).
Protein change: p.Val593fs; shifts the reading frame from valine 593.
Molecular consequence: frameshift variant.
Genome position (GRCh38, 1-based): chr9:133,071,278, C deleted; the last of 8 consecutive C bases (chr9:133,071,271-133,071,278); deleting any one gives the same sequence. VCF-style (leftmost placement, unchanged base first): chr9-133071270-GC-G. GRCh37 (hg19) VCF-style: chr9-135946657-GC-G.
Other names: short protein forms V593fs.
Identifiers: ClinVar variation 35815 (VCV000035815.7), dbSNP rs193922638, ClinGen allele CA213618.